The following is an entry in ClinVar:

NM_002691.4(POLD1):c.2206G>A (p.Glu736Lys)

Gene: POLD1 (DNA polymerase delta 1, catalytic subunit; plus strand). Cytogenetic location: 19q13.33.
Variant type: single nucleotide variant.
Coding change: c.2206G>A on transcript NM_002691.4 (MANE Select); coding-DNA position 2206, G replaced by A.
Protein change: p.Glu736Lys; replaces glutamic acid 736 with lysine.
Molecular consequence: missense variant. On other transcripts: non-coding transcript variant (1).
Genome position (GRCh38, 1-based): chr19:50,413,477, G>A. VCF-style: chr19-50413477-G-A. GRCh37 (hg19) VCF-style: chr19-50916734-G-A.
Other names: c.2206G>A, p.Glu736Lys (NM_001256849.1); c.2284G>A, p.Glu762Lys (NM_001308632.1); short protein forms E736K, E762K.
Identifiers: ClinVar variation 469242 (VCV000469242.12), dbSNP rs1555792546, ClinGen allele CA406983648.

ClinVar aggregate classification (germline): Uncertain significance. Review status: criteria provided, multiple submitters, no conflicts (2 of 4 stars). 2 submissions from 2 submitters: Uncertain significance (2). Last evaluated 2025-10-24.

Conditions:
Hereditary cancer-predisposing syndrome. Also called: Neoplastic Syndromes, Hereditary; Hereditary neoplastic syndrome; Tumor predisposition; Hereditary Cancer Syndrome. Identifiers: Orphanet 140162, MedGen C0027672, MeSH D009386, MONDO:0015356.
POLD1-related polyposis and colorectal cancer syndrome (CRCS10). Also called: Colorectal cancer 10; COLORECTAL CANCER, SUSCEPTIBILITY TO, ON CHROMOSOME 19q; Colorectal cancer, susceptibility to, 10. Identifiers: Orphanet 220460, MedGen C2675481, MONDO:0012953, OMIM 612591.

Submissions (2):

Ambry Genetics
Classification: Uncertain significance for Hereditary cancer-predisposing syndrome. Last evaluated: 2025-10-24. Review status: criteria provided, single submitter. Criteria: Ambry Variant Classification Scheme 2023. Collection method: clinical testing. Allele origin: germline.

Labcorp Genetics (formerly Invitae), Labcorp
Classification: Uncertain significance for POLD1-related polyposis and colorectal cancer syndrome. Last evaluated: 2017-02-21. Review status: criteria provided, single submitter. Criteria: Invitae Variant Classification Sherloc (09022015). Collection method: clinical testing. Allele origin: germline.
Comment: In summary, this variant is a novel missense change with uncertain impact on protein function. It has been classified as a Variant of Uncertain Significance. Algorithms developed to predict the effect of missense changes on protein structure and function do not agree on the potential impact of this missense change (SIFT: "Deleterious"; PolyPhen-2: "Probably Damaging"; Align-GVGD: "Class C0"). This variant is not present in population databases (ExAC no frequency) and has not been reported in the literature in individuals with a POLD1-related disease. This sequence change replaces glutamic acid with lysine at codon 736 of the POLD1 protein (p.Glu736Lys). The glutamic acid residue is highly conserved and there is a small physicochemical difference between glutamic acid and lysine.